The following is an entry in ClinVar:

NM_006939.4(SOS2):c.3513T>C (p.Asp1171=)

Gene: SOS2 (SOS Ras/Rho guanine nucleotide exchange factor 2; minus strand). Cytogenetic location: 14q21.3.
Variant type: single nucleotide variant.
Coding change: c.3513T>C on transcript NM_006939.4 (MANE Select); coding-DNA position 3513, T replaced by C.
Protein change: p.Asp1171=; no amino-acid change (aspartic acid 1171 retained).
Molecular consequence: synonymous variant.
Genome position (GRCh38, 1-based): chr14:50,118,830, A>G on the plus strand (T>C on the coding strand, the complement: SOS2 is on the minus strand). VCF-style: chr14-50118830-A-G. GRCh37 (hg19) VCF-style: chr14-50585548-A-G.
Other names: c.3414T>C, p.Asp1138= (NM_001411020.1).
Identifiers: ClinVar variation 1732186 (VCV001732186.6), dbSNP rs759624286, ClinGen allele CA7176763.

ClinVar aggregate classification (germline): Likely benign. Review status: criteria provided, multiple submitters, no conflicts (2 of 4 stars). 3 submissions from 3 submitters: Likely benign (3). Last evaluated 2026-06-01.

Conditions:
Noonan syndrome 9 (NS9). Identifiers: Orphanet 648, MedGen C4225282, MONDO:0014691, OMIM 616559.
Cardiovascular phenotype. Identifiers: MedGen CN230736.

Allele frequency attached by ClinVar (database versions not stated): gnomAD exomes below 0.00001; ExAC 0.00001; gnomAD 0.00001.
gnomAD v4.1: 3 of 1,466,344 alleles (0.0002%); highest among the groups gnomAD compares: Non-Finnish European, 0.00018%; no homozygotes.

Submissions (3):

CeGaT Center for Human Genetics Tuebingen
Classification: Likely benign. Last evaluated: 2026-06-01. Review status: criteria provided, single submitter. Criteria: CeGaT Center For Human Genetics Tuebingen Variant Classification Criteria Version 2. Collection method: clinical testing. Allele origin: germline. Affected: yes. Observed: 1 variant allele.
Comment: SOS2: BP4, BP7

Labcorp Genetics (formerly Invitae), Labcorp
Classification: Likely benign for Noonan syndrome 9. Last evaluated: 2024-07-15. Review status: criteria provided, single submitter. Criteria: Invitae Variant Classification Sherloc (09022015). Collection method: clinical testing. Allele origin: germline.

Ambry Genetics
Classification: Likely benign for Cardiovascular phenotype. Last evaluated: 2020-04-23. Review status: criteria provided, single submitter. Criteria: Ambry Variant Classification Scheme 2023. Collection method: clinical testing. Allele origin: germline.